The following is an entry in ClinVar:

ClinVar aggregate classification (germline): Uncertain significance (1 of 4 stars; one submission).

Submission:

Labcorp Genetics (formerly Invitae), Labcorp
Classification: Uncertain significance. Last evaluated: 2026-01-19. Review status: criteria provided, single submitter. Criteria: Invitae Variant Classification Sherloc (09022015). Collection method: clinical testing. Allele origin: germline.
Comment: This sequence change replaces alanine, which is neutral and non-polar, with valine, which is neutral and non-polar, at codon 1308 of the BRD4 protein (p.Ala1308Val). This variant is not present in population databases (gnomAD no frequency). This variant has not been reported in the literature in individuals affected with BRD4-related conditions. ClinVar contains an entry for this variant (Variation ID: 3687001). An algorithm developed to predict the effect of missense changes on protein structure and function (PolyPhen-2) suggests that this variant is likely to be tolerated. In summary, the available evidence is currently insufficient to determine the role of this variant in disease. Therefore, it has been classified as a Variant of Uncertain Significance.

NM_001379291.1(BRD4):c.3923C>T (p.Ala1308Val)

Gene: BRD4 (bromodomain containing 4; minus strand). Cytogenetic location: 19p13.12.
Variant type: single nucleotide variant.
Coding change: c.3923C>T on transcript NM_001379291.1 (MANE Select); coding-DNA position 3923, C replaced by T.
Protein change: p.Ala1308Val; replaces alanine 1308 with valine.
Molecular consequence: missense variant.
Genome position (GRCh38, 1-based): chr19:15,238,840, G>A on the plus strand (C>T on the coding strand, the complement: BRD4 is on the minus strand). VCF-style: chr19-15238840-G-A. GRCh37 (hg19) VCF-style: chr19-15349651-G-A.
Other names: c.3923C>T, p.Ala1308Val (NM_058243.3); short protein forms A1308V.
Identifiers: ClinVar variation 3687001 (VCV003687001.2).